The following is an entry in ClinVar:

ClinVar aggregate classification (germline): Uncertain significance (1 of 4 stars; one submission).

Allele frequency attached by ClinVar (database versions not stated): gnomAD exomes below 0.00001.
gnomAD v4.1: 1 of 1,604,714 alleles (0.000062%); highest among the groups gnomAD compares: South Asian, 0.0011%; no homozygotes.

Submission:

Ambry Genetics
Classification: Uncertain significance. Last evaluated: 2023-04-03. Review status: criteria provided, single submitter. Criteria: Ambry Variant Classification Scheme 2023. Collection method: clinical testing. Allele origin: germline.
Comment: The p.Q261K variant (also known as c.781C>A), located in coding exon 8 of the FAM175A gene, results from a C to A substitution at nucleotide position 781. The glutamine at codon 261 is replaced by lysine, an amino acid with similar properties. This amino acid position is conserved. In addition, this alteration is predicted to be tolerated by in silico analysis. Since supporting evidence is limited at this time, the clinical significance of this alteration remains unclear.

NM_139076.3(ABRAXAS1):c.781C>A (p.Gln261Lys)

Gene: ABRAXAS1 (abraxas 1, BRCA1 A complex subunit; minus strand). Cytogenetic location: 4q21.23.
Variant type: single nucleotide variant.
Coding change: c.781C>A on transcript NM_139076.3 (MANE Select); coding-DNA position 781, C replaced by A.
Protein change: p.Gln261Lys; replaces glutamine 261 with lysine.
Molecular consequence: missense variant.
Genome position (GRCh38, 1-based): chr4:83,463,509, G>T on the plus strand (C>A on the coding strand, the complement: ABRAXAS1 is on the minus strand). VCF-style: chr4-83463509-G-T. GRCh37 (hg19) VCF-style: chr4-84384662-G-T.
Other names: c.454C>A, p.Gln152Lys (NM_001345962.2); short protein forms Q261K, Q152K.
Identifiers: ClinVar variation 2563992 (VCV002563992.2), dbSNP rs373605348, ClinGen allele CA357256796.